The following is an entry in ClinVar:

ClinVar aggregate classification (germline): Uncertain significance. Review status: criteria provided, multiple submitters, no conflicts (2 of 4 stars). 3 submissions from 3 submitters: Uncertain significance (2). 1 of the submissions does not count toward it. Last evaluated 2024-10-30.

Conditions:
Bloom syndrome (BLM). Also called: Bloom-Torre-Machacek syndrome. Identifiers: Orphanet 125, MedGen C0005859, MONDO:0008876, OMIM 210900.
Hereditary cancer-predisposing syndrome. Also called: Hereditary neoplastic syndrome; Neoplastic Syndromes, Hereditary; Tumor predisposition; Hereditary Cancer Syndrome. Identifiers: Orphanet 140162, MedGen C0027672, MeSH D009386, MONDO:0015356.

Submissions (3):

Labcorp Genetics (formerly Invitae), Labcorp
Classification: Uncertain significance for Bloom syndrome. Last evaluated: 2024-10-30. Review status: criteria provided, single submitter. Criteria: Invitae Variant Classification Sherloc (09022015). Collection method: clinical testing. Allele origin: germline.
Comment: This sequence change replaces threonine, which is neutral and polar, with serine, which is neutral and polar, at codon 221 of the BLM protein (p.Thr221Ser). This variant is not present in population databases (gnomAD no frequency). This variant has not been reported in the literature in individuals affected with BLM-related conditions. ClinVar contains an entry for this variant (Variation ID: 836869). An algorithm developed to predict the effect of missense changes on protein structure and function (PolyPhen-2) suggests that this variant is likely to be tolerated. In summary, the available evidence is currently insufficient to determine the role of this variant in disease. Therefore, it has been classified as a Variant of Uncertain Significance.

Ambry Genetics
Classification: Uncertain significance for Hereditary cancer-predisposing syndrome. Last evaluated: 2024-01-13. Review status: criteria provided, single submitter. Criteria: Ambry Variant Classification Scheme 2023. Collection method: clinical testing. Allele origin: germline.
Comment: The p.T221S variant (also known as c.661A>T), located in coding exon 2 of the BLM gene, results from an A to T substitution at nucleotide position 661. The threonine at codon 221 is replaced by serine, an amino acid with similar properties. This amino acid position is conserved. In addition, this alteration is predicted to be tolerated by in silico analysis. Since supporting evidence is limited at this time, the clinical significance of this alteration remains unclear.

Natera, Inc.
Classification: Uncertain significance for Bloom syndrome. Last evaluated: 2020-03-20. Review status: no assertion criteria provided. Collection method: clinical testing. Allele origin: germline. Not counted in ClinVar's aggregate classification.

NM_000057.4(BLM):c.661A>T (p.Thr221Ser)

Gene: BLM (BLM RecQ like helicase; plus strand). Cytogenetic location: 15q26.1.
Variant type: single nucleotide variant.
Coding change: c.661A>T on transcript NM_000057.4 (MANE Select); coding-DNA position 661, A replaced by T.
Protein change: p.Thr221Ser; replaces threonine 221 with serine.
Molecular consequence: missense variant. On other transcripts: 5 prime UTR variant (1).
Genome position (GRCh38, 1-based): chr15:90,749,929, A>T. VCF-style: chr15-90749929-A-T. GRCh37 (hg19) VCF-style: chr15-91293159-A-T.
Other names: c.661A>T, p.Thr221Ser (NM_001287246.2, NM_001287247.2); c.-631A>T (NM_001287248.2); c.661A>T (NM_000057.2); short protein forms T221S.
Identifiers: ClinVar variation 836869 (VCV000836869.16), dbSNP rs1895631812, ClinGen allele CA393841280.